The following is an entry in ClinVar:

NM_001358263.1(HK1):c.75+20082A>G

Gene: HK1 (hexokinase 1; plus strand). Cytogenetic location: 10q22.1.
Variant type: single nucleotide variant.
Coding change: c.75+20082A>G on transcript NM_001358263.1 (MANE Plus Clinical); 20082 bases into the intron after coding-DNA position 75, A replaced by G.
Molecular consequence: intron variant. On other transcripts: genic upstream transcript variant (2).
Genome position (GRCh38, 1-based): chr10:69,315,762, A>G. VCF-style: chr10-69315762-A-G. GRCh37 (hg19) VCF-style: chr10-71075518-A-G.
Other names: p.?; c.-193A>G (NM_033496.3, NM_033496.2); c.27+14901A>G (NM_033500.2); c.168+20082A>G (NM_001322365.2); c.75+20082A>G (NM_033498.3, NM_033497.3, NM_001322364.2); c.-3186A>G (NM_000188.3).
Identifiers: ClinVar variation 811462 (VCV000811462.37), dbSNP rs187500777, ClinGen allele CA209246767.
Genomic context (GRCh38, chr10:69,315,762, plus strand): 5'-TTGGGGCAGATAGGACCAGCCCCCTAGAAGACAGTCACCCATATCAGTTAGGCAGTCATG[A>G]CTCAGTGTTACTTATCTGAGGCCCAGGTTGCATGAGGGGTTGGGGGTGGGATGGACAGAG-3'

ClinVar aggregate classification (germline): Conflicting classifications of pathogenicity. Review status: criteria provided, conflicting classifications (1 of 4 stars). 10 submissions from 10 submitters: Pathogenic (1); Likely pathogenic (8); Uncertain significance (1). Last evaluated 2026-05-15.

Conditions:
HK1-related disorder. Also called: HK1-related condition; HK1-related disorders.
Hemolytic anemia due to hexokinase deficiency (CNSHA5). Also called: Hexokinase deficiency hemolytic anemia; ANEMIA, CONGENITAL, NONSPHEROCYTIC HEMOLYTIC, 5; HEMOLYTIC ANEMIA, NONSPHEROCYTIC, DUE TO HEXOKINASE DEFICIENCY; Non-spherocytic hemolytic anemia due to hexokinase deficiency. Identifiers: Orphanet 90031, MedGen C3150343, MONDO:0009340, OMIM 235700.
Charcot-Marie-Tooth disease type 4G. Also called: CHARCOT-MARIE-TOOTH DISEASE, DEMYELINATING, TYPE 4G; CHARCOT-MARIE-TOOTH NEUROPATHY, TYPE 4G; Neuropathy, hereditary motor and sensory, Russe type. Identifiers: Orphanet 99953, MedGen C1854449, MONDO:0011534, OMIM 605285.

Allele frequency attached by ClinVar (database versions not stated): 1000 Genomes Project 30x 0.00094; TOPMed 0.00094; 1000 Genomes Project 0.00120; gnomAD 0.00195 and 0.00198; gnomAD exomes 0.00212.
gnomAD v4.1: 1,337 of 657,232 alleles (0.2%); highest among the groups gnomAD compares: Non-Finnish European, 0.17%; 3 homozygotes.

Submissions (10):

PreventionGenetics, part of Exact Sciences
Classification: Likely pathogenic for HK1-related condition. Last evaluated: 2026-05-15. Review status: criteria provided, single submitter. Criteria: ACMG Guidelines, 2015. Collection method: clinical testing. Allele origin: germline.
Comment: The HK1 c.27+14901A>G variant is predicted to interfere with splicing. This variant can also be described as c.-193A>G based on transcript NM_033496. This variant has been reported in the compound heterozygous state with a second HK1 variant in five individuals, including two siblings, with hemolytic anemia (de Vooght. 2009. PubMed ID: 19608687; Koralkova et al. 2016. PubMed ID: 27282571; Ukonmaanaho et al. 2024. PubMed ID: 38415930). It has also been reported in an additional patient with hemolytic anemia who was also heterozygous for an apparently de novo HK1 frameshift variant (Patient 3, Ukonmaanaho et al. 2024. PubMed ID: 38415930). In the patient reported by de Vooght et al., this variant was found on the same allele (i.e., in cis) with a second promoter variant (c.-373A>C). In functional studies, the c.-373A>C variant was found to have no effect on luciferase reporter expression while the c.-193A>G variant was reported to reduce luciferase reporter expression to 8% of wild-type. Additional functional assays also indicated the c.-193A>G variant disrupts transcription factor binding (de Vooght. 2009. PubMed ID: 19608687). This variant is reported in 1.1% of alleles in individuals of European (Finnish) descent in gnomAD. It is less frequent in other populations in gnomAD, although it is still present in the non-Finnish European population at a frequency higher than expected for a severe, highly penetrant pathogenic variant (0.3%). In gnomAD v4 (available only on GRCh38), this variant is reported in 1.3% of alleles in the European (Finnish) subpopulation, including 3 homozygotes. Of note, the affected individuals reported by Ukonmaanaho et al. were of Finnish ancestry. Although these population allele frequencies are high for a pathogenic variant, they may be consistent with the fact that the majority of affected individuals that have been reported have presented with a mild disease course. As a result, this variant has been proposed to be a hypomorphic variant (Ukonmaanaho et al. 2024. PubMed ID: 38415930). This variant is interpreted in ClinVar by several outside laboratories as likely pathogenic (Variation ID: 811462). In summary, we interpret this variant as likely pathogenic for autosomal recessive hemolytic anemia.

GeneDx
Classification: Likely pathogenic. Last evaluated: 2026-03-31. Review status: criteria provided, single submitter. Criteria: GeneDx Variant Classification Process June 2021. Collection method: clinical testing. Allele origin: germline. Affected: yes.
Comment: Observed with another HK1 variant on the opposite allele (in trans) in patients with hexokinase deficiency in published literature (PMID: 19608687, 27282571); Published functional studies demonstrated that the variant strongly down-regulates HK1 promoter activity (PMID: 19608687); In silico analysis supports that this variant does not alter splicing; Also known as c.-193A>G; This variant is associated with the following publications: (PMID: 34426522, 30778173, 19608687, 27282571, 38415930)

First Genomix Gene Laboratory, Genetic Diagnostics Department
Classification: Likely pathogenic for Hemolytic anemia due to hexokinase deficiency; Charcot-Marie-Tooth disease type 4G. Last evaluated: 2025-09-24. Review status: criteria provided, single submitter. Criteria: ACMG Guidelines, 2015. Collection method: clinical testing. Allele origin: germline. Inheritance: Autosomal recessive inheritance. Affected: no. Observed: 1 variant allele.

Mayo Clinic Laboratories, Mayo Clinic
Classification: Pathogenic. Last evaluated: 2025-07-30. Review status: criteria provided, single submitter. Criteria: ACMG Guidelines, 2015. Collection method: clinical testing. Allele origin: germline. Observed: 3 variant alleles.

ARUP Laboratories, Molecular Genetics and Genomics, ARUP Laboratories
Classification: Likely pathogenic. Last evaluated: 2025-07-16. Review status: criteria provided, single submitter. Criteria: ARUP Molecular Germline Variant Investigation Process 2024. Collection method: clinical testing. Allele origin: germline.
Comment: The HK1 c.-193A>G variant (rs187500777, ClinVar variation ID: 811462) is reported as a compound heterozygous mutation in six individuals with hexokinase deficiency (de Vooght 2009, Koralkova 2016, Ukonmaanaho 2024). In vitro functional analyses demonstrate diminished erythroid-specific promoter activity leading to reduced hexokinase expression (de Vooght 2009). This variant is found predominantly in the Finnish European population with an allele frequency of 1.3% (573/44662 alleles, including 2 homozygotes) in the Genome Aggregation Database (v4.1.0). This variant occurs in the 5' untranslated region at a nucleotide that is highly conserved and does not create a novel protein translation start codon. Although this variant occurs at high frequency in the general population, current evidence suggests that this promoter variant is disease-causing when found in trans to another disease-causing HK1 variant. Based on available information, this variant is considered to be likely pathogenic. REFERENCE: de Vooght KM et al. First mutation in the red blood cell-specific promoter of hexokinase combined with a novel missense mutation causes hexokinase deficiency and mild chronic hemolysis. Haematologica. 2009 Sep. PMID: 19608687 Koralkova P et al. Molecular characterization of six new cases of red blood cell hexokinase deficiency yields four novel mutations in HK1. Blood Cells Mol Dis. 2016 Jul. PMID: 27282571 Ukonmaanaho EM et al. Biallelic hexokinase 1 (HK1) variants causative of non-spherocytic haemolytic anaemia: A case series with emphasis on the HK1 promoter variant and literature review. Br J Haematol. 2024 May. PMID: 38415930

Women's Health and Genetics/Laboratory Corporation of America, LabCorp
Classification: Likely pathogenic for Hemolytic anemia due to hexokinase deficiency. Last evaluated: 2025-04-04. Review status: criteria provided, single submitter. Criteria: LabCorp Variant Classification Summary - May 2015. Collection method: clinical testing. Allele origin: germline.
Comment: Variant summary: HK1 c.-3186A>G is located in the untranscribed region upstream of the HK1 gene region. Consensus agreement among computation tools predict no significant impact on normal splicing. However, these predictions have yet to be confirmed by functional studies. The variant allele was found at a frequency of 0.002 in 657232 control chromosomes in the gnomAD database, including 3 homozygotes. The observed variant frequency is approximately 1.82 fold of the estimated maximal expected allele frequency for a pathogenic variant in HK1 causing Hemolytic anemia due to hexokinase deficiency phenotype (0.0011). c.-3186A>G has also been reported as c.-193A>G (NM_033496) in the literature in multiple compound heterozygous individuals affected with primarily mild hemolytic anemia (e.g., deVooght_2009, Koralkova_2016, Ukonmaanaho_2024); in most of these cases, the variants found in trans were expected to disrupt RNA processing/splicing. These data indicate that the variant may be associated with disease, particularly when in trans with an allele that significantly alters the protein product (e.g., an aberrant splicing variant). At least one publication reports experimental evidence gene expression in vitro, finding that the variant reduces promoter activity to approximately 8% of the wild-type level and disrupts transcription factor binding (e.g., deVooght_2009). The following publications have been ascertained in the context of this evaluation (PMID: 27282571, 19608687, 38415930). ClinVar contains an entry for this variant (Variation ID: 811462). Based on the evidence outlined above, the variant was classified as a likely pathogenic, possibly hypomorphic allele in the context of autosomal recessive hemolytic anemia due to hexokinase deficiency .

Center for Genomic Medicine, Rigshospitalet, Copenhagen University Hospital
Classification: Likely pathogenic. Last evaluated: 2025-03-04. Review status: criteria provided, single submitter. Criteria: ACMG Guidelines, 2015. Collection method: clinical testing. Allele origin: germline.

CeGaT Center for Human Genetics Tuebingen
Classification: Likely pathogenic. Last evaluated: 2025-01-01. Review status: criteria provided, single submitter. Criteria: CeGaT Center For Human Genetics Tuebingen Variant Classification Criteria Version 2. Collection method: clinical testing. Allele origin: germline. Affected: yes. Observed: 1 variant allele.
Comment: HK1: PM3:Strong, PM2:Supporting, PS3:Supporting

Blueprint Genetics
Classification: Uncertain significance. Last evaluated: 2024-11-27. Review status: criteria provided, single submitter. Criteria: ACMG Guidelines, 2015. Collection method: clinical testing. Allele origin: germline.

Institute of Human Genetics, University of Leipzig Medical Center
Classification: Likely pathogenic for Hemolytic anemia due to hexokinase deficiency. Last evaluated: 2024-06-03. Review status: criteria provided, single submitter. Criteria: ACMG Guidelines, 2015. Collection method: clinical testing. Allele origin: maternal. Inheritance: Autosomal recessive inheritance. Affected: yes.
Comment: Criteria applied: PM3_STR,PS3_SUP,PP3

Literature cited by the submitters: PubMed 19608687 (cited by 3 submitters); PubMed 27282571 (cited by 3 submitters); PubMed 38415930 (cited by Mayo Clinic Laboratories, Mayo Clinic and Women's Health and Genetics/Laboratory Corporation of America, LabCorp).